The following is an entry in ClinVar:

NM_000214.3(JAG1):c.928G>T (p.Gly310Ter)

Gene: JAG1 (jagged canonical Notch ligand 1; minus strand). Cytogenetic location: 20p12.2.
Variant type: single nucleotide variant.
Coding change: c.928G>T on transcript NM_000214.3 (MANE Select); coding-DNA position 928, G replaced by T.
Protein change: p.Gly310Ter; replaces glycine 310 with a stop codon.
Molecular consequence: nonsense.
Genome position (GRCh38, 1-based): chr20:10,652,209, C>A on the plus strand (G>T on the coding strand, the complement: JAG1 is on the minus strand). VCF-style: chr20-10652209-C-A. GRCh37 (hg19) VCF-style: chr20-10632857-C-A.
Other names: short protein forms G310*.
Identifiers: ClinVar variation 4999583 (VCV004999583.1).
Genomic context (GRCh38, chr20:10,652,209, plus strand): 5'-CTGAATACCCCTCAGGGCAGGAACACTGATATTTGTCAGGGCCTGTGTTGCTACAAGTTC[C>A]CCCGTTGAGACACGGCTGATGAGTCCCACAGTAATTGAGATCTGCCAAAAAGATCCTGGA-3'

ClinVar aggregate classification (germline): Likely pathogenic (1 of 4 stars; one submission).

Conditions:
JAG1-related disorder. Also called: JAG1-related condition; JAG1-related disorders.

Submission:

PreventionGenetics, part of Exact Sciences
Classification: Likely pathogenic for JAG1-related condition. Last evaluated: 2025-03-14. Review status: criteria provided, single submitter. Criteria: ACMG Guidelines, 2015. Collection method: clinical testing. Allele origin: germline.
Comment: The JAG1 c.928G>T variant is predicted to result in premature protein termination (p.Gly310*). To our knowledge, this variant has not been reported in the literature or in a large population database (gnomAD), indicating this variant is rare. Nonsense variants in JAG1 are expected to be pathogenic. This variant is interpreted as likely pathogenic.